The following is an entry in ClinVar:

NM_000153.4(GALC):c.80_84dup (p.Val29fs)

Gene: GALC (galactosylceramidase; minus strand). Cytogenetic location: 14q31.3.
Variant type: Microsatellite.
Coding change: c.80_84dup on transcript NM_000153.4 (MANE Select); coding-DNA positions 80 to 84, 5 bases duplicated (CCGCG; older notation c.80_84dupCCGCG).
Protein change: p.Val29fs; shifts the reading frame from valine 29.
Molecular consequence: frameshift variant. On other transcripts: intron variant (1).
Genome position (GRCh38, 1-based): chr14:87,993,081-87,993,085, CGCGG duplicated on the plus strand (CCGCG on the coding strand, the reverse complement: GALC is on the minus strand); duplicating any 5 consecutive bases within chr14:87,993,081-87,993,091 gives the same sequence; the c. name uses the placement nearest the transcript's 3' end. VCF-style (leftmost placement, unchanged base first): chr14-87993080-C-CCGCGG. GRCh37 (hg19) VCF-style: chr14-88459424-C-CCGCGG.
Other names: c.80_84dup, p.Val29fs (NM_001201401.2); c.117+293CCGCG[3] (NM_001201402.2); short protein forms V29fs.
Identifiers: ClinVar variation 2061817 (VCV002061817.4), dbSNP rs2503549007, ClinGen allele CA2575595433.

ClinVar aggregate classification (germline): Pathogenic (1 of 4 stars; one submission).

Conditions:
Galactosylceramide beta-galactosidase deficiency. Also called: GALACTOCEREBROSIDASE DEFICIENCY; GALC DEFICIENCY; GLOBOID CELL LEUKOENCEPHALOPATHY; Leukodystrophy, Globoid Cell; Krabbe Disease. Identifiers: Orphanet 487, MedGen C0023521, MONDO:0009499, OMIM 245200.

Submission:

Labcorp Genetics (formerly Invitae), Labcorp
Classification: Pathogenic for Galactosylceramide beta-galactosidase deficiency. Last evaluated: 2022-02-25. Review status: criteria provided, single submitter. Criteria: Invitae Variant Classification Sherloc (09022015). Collection method: clinical testing. Allele origin: germline.
Comment: This variant is not present in population databases (gnomAD no frequency). This variant has not been reported in the literature in individuals affected with GALC-related conditions. Algorithms developed to predict the effect of sequence changes on RNA splicing suggest that this variant may create or strengthen a splice site. For these reasons, this variant has been classified as Pathogenic. This sequence change creates a premature translational stop signal (p.Val29Profs*45) in the GALC gene. It is expected to result in an absent or disrupted protein product. Loss-of-function variants in GALC are known to be pathogenic (PMID: 7437911, 9272171, 16607461).

Literature cited by the submitters: PubMed 7437911; PubMed 9272171; PubMed 16607461.